The following is an entry in ClinVar:

ClinVar aggregate classification (germline): Uncertain significance (1 of 4 stars; one submission).

Allele frequency attached by ClinVar (database versions not stated): gnomAD 0.00001; gnomAD exomes 0.00002 and 0.00004; TOPMed 0.00002.
gnomAD v4.1: 29 of 1,613,418 alleles (0.0018%); highest among the groups gnomAD compares: East Asian, 0.0022%; 1 homozygote.

Submission:

GeneDx
Classification: Uncertain significance. Last evaluated: 2014-04-16. Review status: criteria provided, single submitter. Criteria: GeneDx Variant Classification (06012015). Collection method: clinical testing. Allele origin: germline. Affected: yes.
Comment: Missense variants in the TTN gene are considered 'unclassified' if they are not previously reported in the literature and do not have >1% frequency in the population to be considered a polymorphism. Research indicates that truncating mutations in the TTN gene are expected to account for approximately 25% of familial and 18% of sporadic idiopathic DCM; however, truncating variants in the TTN gene have been reported in approximately 3% of reported control alleles. There has been little investigation into non-truncating variants. (Herman D et al. Truncations of titin causing dilated cardiomyopathy. N Eng J Med 366:619-628, 2012) The variant is found in CARDIOMYOPATHY panel(s).

NM_001267550.2(TTN):c.75251G>A (p.Arg25084Gln)

Genes: TTN-AS1 (TTN antisense RNA 1; plus strand), TTN (titin; minus strand). Cytogenetic location: 2q31.2.
Variant type: single nucleotide variant.
Coding change: c.75251G>A on transcript NM_001267550.2 (MANE Select); coding-DNA position 75251, G replaced by A.
Protein change: p.Arg25084Gln; replaces arginine 25084 with glutamine.
Molecular consequence: missense variant.
Genome position (GRCh38, 1-based): chr2:178,570,881, C>T on the plus strand (G>A on the coding strand, the complement: TTN is on the minus strand). VCF-style: chr2-178570881-C-T. GRCh37 (hg19) VCF-style: chr2-179435608-C-T.
Other names: p.R23443Q:CGA>CAA; c.70328G>A, p.Arg23443Gln (NM_001256850.1); c.48056G>A, p.Arg16019Gln (NM_003319.4); c.67547G>A, p.Arg22516Gln (NM_133378.4); c.48431G>A, p.Arg16144Gln (NM_133432.3); c.48632G>A, p.Arg16211Gln (NM_133437.4); short protein forms R23443Q, R25084Q, R22516Q, R16019Q, R16144Q, R16211Q.
Identifiers: ClinVar variation 202860 (VCV000202860.2), dbSNP rs794729496, ClinGen allele CA310508.
Genomic context (GRCh38, chr2:178,570,881, plus strand): 5'-TCTCTAGCTGTTATTGCTCCTGTGCTTTCTGAAGGCTCACTAAACACTCCTGCGGCATTT[C>T]GGGCTATAACCCGGAACTCATATCTGTGATCTTCAACTAGGCCAGTTACTTCAAAATGAG-3'
Protein context (NP_001254479.2, residues 25074-25094): DHRYEFRVIA[Arg25084Gln]NAAGVFSEPS